The following is an entry in ClinVar:

ClinVar aggregate classification (germline): Uncertain significance (1 of 4 stars; one submission).

Conditions:
Melnick-Needles syndrome (MNS). Also called: MELNICK-NEEDLES OSTEODYSPLASTY; OSTEODYSPLASTY OF MELNICK AND NEEDLES; Melnick-Needles Syndrome (FLNA-MNS). Identifiers: Orphanet 2484, MedGen C0025237, MONDO:0010650, OMIM 309350.
Frontometaphyseal dysplasia (FMD1). Identifiers: Orphanet 1826, MedGen C0265293, MONDO:0015942.
Heterotopia, periventricular, X-linked dominant (PVNH1). Also called: PERIVENTRICULAR NODULAR HETEROTOPIA 1; X-linked periventricular heterotopia; PERIVENTRICULAR NODULAR HETEROTOPIA 4; HETEROTOPIA, PERIVENTRICULAR, 1. Identifiers: Orphanet 2149, Orphanet 82004, MedGen C1848213, MONDO:0010233, OMIM 300049.
Oto-palato-digital syndrome, type II (OPD2). Also called: FACIOPALATOOSSEOUS SYNDROME; OPD II SYNDROME; Otopalatodigital Syndrome, Type II; Otopalatodigital Syndrome Type 2 (FLNA-OPD2). Identifiers: Orphanet 669, Orphanet 90652, MedGen C1844696, MONDO:0010571, OMIM 304120.

Submission:

Labcorp Genetics (formerly Invitae), Labcorp
Classification: Uncertain significance for Oto-palato-digital syndrome, type II; Heterotopia, periventricular, X-linked dominant; Frontometaphyseal dysplasia; Melnick-Needles syndrome. Last evaluated: 2024-07-23. Review status: criteria provided, single submitter. Criteria: Invitae Variant Classification Sherloc (09022015). Collection method: clinical testing. Allele origin: germline.
Comment: This sequence change replaces proline, which is neutral and non-polar, with serine, which is neutral and polar, at codon 1553 of the FLNA protein (p.Pro1553Ser). This variant is not present in population databases (gnomAD no frequency). This variant has not been reported in the literature in individuals affected with FLNA-related conditions. Advanced modeling of protein sequence and biophysical properties (such as structural, functional, and spatial information, amino acid conservation, physicochemical variation, residue mobility, and thermodynamic stability) performed at Invitae indicates that this missense variant is not expected to disrupt FLNA protein function with a negative predictive value of 95%. In summary, the available evidence is currently insufficient to determine the role of this variant in disease. Therefore, it has been classified as a Variant of Uncertain Significance.

NM_001110556.2(FLNA):c.4657C>T (p.Pro1553Ser)

Gene: FLNA (filamin A; minus strand). Cytogenetic location: Xq28.
Variant type: single nucleotide variant.
Coding change: c.4657C>T on transcript NM_001110556.2 (MANE Select); coding-DNA position 4657, C replaced by T.
Protein change: p.Pro1553Ser; replaces proline 1553 with serine.
Molecular consequence: missense variant.
Genome position (GRCh38, 1-based): chrX:154,358,297, G>A on the plus strand (C>T on the coding strand, the complement: FLNA is on the minus strand). VCF-style: chrX-154358297-G-A. GRCh37 (hg19) VCF-style: chrX-153586665-G-A.
Other names: c.4657C>T, p.Pro1553Ser (NM_001456.4); short protein forms P1553S.
Identifiers: ClinVar variation 3761623 (VCV003761623.2).